The following is an entry in ClinVar:

ClinVar aggregate classification (germline): Uncertain significance (1 of 4 stars; one submission).

Conditions:
Vici syndrome (VICIS). Identifiers: Orphanet 1493, MedGen C1855772, MONDO:0009452, OMIM 242840.

gnomAD v4.1: 1 of 1,614,260 alleles (0.000062%); highest among the groups gnomAD compares: Non-Finnish European, 0.000085%; no homozygotes.

Submission:

Labcorp Genetics (formerly Invitae), Labcorp
Classification: Uncertain significance for Vici syndrome. Last evaluated: 2022-10-10. Review status: criteria provided, single submitter. Criteria: Invitae Variant Classification Sherloc (09022015). Collection method: clinical testing. Allele origin: germline.
Comment: This sequence change replaces aspartic acid, which is acidic and polar, with asparagine, which is neutral and polar, at codon 286 of the EPG5 protein (p.Asp286Asn). This variant is not present in population databases (gnomAD no frequency). This variant has not been reported in the literature in individuals affected with EPG5-related conditions. Advanced modeling of protein sequence and biophysical properties (such as structural, functional, and spatial information, amino acid conservation, physicochemical variation, residue mobility, and thermodynamic stability) performed at Invitae indicates that this missense variant is not expected to disrupt EPG5 protein function. In summary, the available evidence is currently insufficient to determine the role of this variant in disease. Therefore, it has been classified as a Variant of Uncertain Significance.

NM_020964.3(EPG5):c.856G>A (p.Asp286Asn)

Gene: EPG5 (ectopic P-granules 5 autophagy tethering factor; minus strand). Cytogenetic location: 18q21.1.
Variant type: single nucleotide variant.
Coding change: c.856G>A on transcript NM_020964.3 (MANE Select); coding-DNA position 856, G replaced by A.
Protein change: p.Asp286Asn; replaces aspartic acid 286 with asparagine.
Molecular consequence: missense variant.
Genome position (GRCh38, 1-based): chr18:45,954,546, C>T on the plus strand (G>A on the coding strand, the complement: EPG5 is on the minus strand). VCF-style: chr18-45954546-C-T. GRCh37 (hg19) VCF-style: chr18-43534512-C-T.
Other names: c.856G>A, p.Asp286Asn (NM_001410858.1, NM_001410859.1); short protein forms D286N.
Identifiers: ClinVar variation 1942961 (VCV001942961.2), dbSNP rs2512123762, ClinGen allele CA402350818.